The following is an entry in ClinVar:

NM_014806.5(RUSC2):c.154A>C (p.Ile52Leu)

Gene: RUSC2 (RUN and SH3 domain containing 2; plus strand). Cytogenetic location: 9p13.3.
Variant type: single nucleotide variant.
Coding change: c.154A>C on transcript NM_014806.5 (MANE Select); coding-DNA position 154, A replaced by C.
Protein change: p.Ile52Leu; replaces isoleucine 52 with leucine.
Molecular consequence: missense variant. On other transcripts: non-coding transcript variant (1), intron variant (1).
Genome position (GRCh38, 1-based): chr9:35,546,675, A>C. VCF-style: chr9-35546675-A-C. GRCh37 (hg19) VCF-style: chr9-35546672-A-C.
Other names: c.154A>C, p.Ile52Leu (NM_001135999.2); c.-620-8385A>C (NM_001330740.2); short protein forms I52L.
Identifiers: ClinVar variation 1389209 (VCV001389209.5), dbSNP rs771426449, ClinGen allele CA5043405.

ClinVar aggregate classification (germline): Uncertain significance (1 of 4 stars; one submission).

Allele frequency attached by ClinVar (database versions not stated): ExAC 0.00001; gnomAD 0.00001; gnomAD exomes 0.00001; TOPMed 0.00002.
gnomAD v4.1: 51 of 1,566,032 alleles (0.0033%); highest among the groups gnomAD compares: Non-Finnish European, 0.004%; no homozygotes.

Submission:

Labcorp Genetics (formerly Invitae), Labcorp
Classification: Uncertain significance. Last evaluated: 2021-09-24. Review status: criteria provided, single submitter. Criteria: Invitae Variant Classification Sherloc (09022015). Collection method: clinical testing. Allele origin: germline.
Comment: This sequence change replaces isoleucine with leucine at codon 52 of the RUSC2 protein (p.Ile52Leu). The isoleucine residue is weakly conserved and there is a small physicochemical difference between isoleucine and leucine. This variant is present in population databases (rs771426449, ExAC 0.002%). This variant has not been reported in the literature in individuals with RUSC2-related conditions. Algorithms developed to predict the effect of missense changes on protein structure and function output the following: SIFT: "Tolerated"; PolyPhen-2: "Benign"; Align-GVGD: "Class C0". The leucine amino acid residue is found in multiple mammalian species, suggesting that this missense change does not adversely affect protein function. These predictions have not been confirmed by published functional studies and their clinical significance is uncertain. In summary, the available evidence is currently insufficient to determine the role of this variant in disease. Therefore, it has been classified as a Variant of Uncertain Significance.